The following is an entry in ClinVar:

NM_000440.3(PDE6A):c.1426G>A (p.Gly476Arg)

Gene: PDE6A (phosphodiesterase 6A; minus strand). Cytogenetic location: 5q32.
Variant type: single nucleotide variant.
Coding change: c.1426G>A on transcript NM_000440.3 (MANE Select); coding-DNA position 1426, G replaced by A.
Protein change: p.Gly476Arg; replaces glycine 476 with arginine.
Molecular consequence: missense variant.
Genome position (GRCh38, 1-based): chr5:149,896,758, C>T on the plus strand (G>A on the coding strand, the complement: PDE6A is on the minus strand). VCF-style: chr5-149896758-C-T. GRCh37 (hg19) VCF-style: chr5-149276321-C-T.
Other names: short protein forms G476R.
Identifiers: ClinVar variation 1446579 (VCV001446579.7), dbSNP rs1752768586, ClinGen allele CA361695977.

ClinVar aggregate classification (germline): Uncertain significance (1 of 4 stars; one submission).

Allele frequency attached by ClinVar (database versions not stated): TOPMed below 0.00001.

Submission:

Labcorp Genetics (formerly Invitae), Labcorp
Classification: Uncertain significance. Last evaluated: 2022-11-22. Review status: criteria provided, single submitter. Criteria: Invitae Variant Classification Sherloc (09022015). Collection method: clinical testing. Allele origin: germline.
Comment: This sequence change replaces glycine, which is neutral and non-polar, with arginine, which is basic and polar, at codon 476 of the PDE6A protein (p.Gly476Arg). This variant is not present in population databases (gnomAD no frequency). This variant has not been reported in the literature in individuals affected with PDE6A-related conditions. ClinVar contains an entry for this variant (Variation ID: 1446579). Algorithms developed to predict the effect of missense changes on protein structure and function are either unavailable or do not agree on the potential impact of this missense change (SIFT: "Deleterious"; PolyPhen-2: "Benign"; Align-GVGD: "Class C0"). In summary, the available evidence is currently insufficient to determine the role of this variant in disease. Therefore, it has been classified as a Variant of Uncertain Significance.